The following is an entry in ClinVar:

ClinVar aggregate classification (germline): Likely benign (0 of 4 stars; one submission).

Conditions:
ACACB-related disorder. Also called: ACACB-related condition.

gnomAD v4.1: 55 of 1,613,792 alleles (0.0034%); highest among the groups gnomAD compares: South Asian, 0.011%; no homozygotes.

Submission:

PreventionGenetics, part of Exact Sciences
Classification: Likely benign for ACACB-related condition. Last evaluated: 2024-07-31. Review status: no assertion criteria provided. Collection method: clinical testing. Allele origin: germline.
Comment: This variant is classified as likely benign based on ACMG/AMP sequence variant interpretation guidelines (Richards et al. 2015 PMID: 25741868, with internal and published modifications).

NM_001093.4(ACACB):c.804C>T (p.Asn268=)

Gene: ACACB (acetyl-CoA carboxylase beta; plus strand). Cytogenetic location: 12q24.11.
Variant type: single nucleotide variant.
Coding change: c.804C>T on transcript NM_001093.4 (MANE Select); coding-DNA position 804, C replaced by T.
Protein change: p.Asn268=; no amino-acid change (asparagine 268 retained).
Molecular consequence: synonymous variant.
Genome position (GRCh38, 1-based): chr12:109,167,913, C>T. VCF-style: chr12-109167913-C-T. GRCh37 (hg19) VCF-style: chr12-109605718-C-T.
Other names: c.804C>T, p.Asn268= (NM_001412734.1, NM_001412735.1); c.198C>T, p.Asn66= (NM_001412736.1, NM_001412738.1, NM_001412739.1 and 2 more transcripts); c.177C>T, p.Asn59= (NM_001412737.1).
Identifiers: ClinVar variation 3352314 (VCV003352314.1).
Genomic context (GRCh38, chr12:109,167,913, plus strand): 5'-GGTAGATGTGCATCTACAGCTCCTTCCTTGTCTTCCCATGCAGGTGCTTATTGCCAACAA[C>T]GGGATTGCCGCCGTGAAGTGCATGCGCTCCATCCGCAGGTGGGCCTATGAGATGTTCCGC-3'
Protein context (NP_001084.3, residues 258-278): RVIEKVLIAN[Asn268=]GIAAVKCMRS